The following is an entry in ClinVar:

NM_139276.3(STAT3):c.952A>G (p.Lys318Glu)

Gene: STAT3 (signal transducer and activator of transcription 3; minus strand). Cytogenetic location: 17q21.2.
Variant type: single nucleotide variant.
Coding change: c.952A>G on transcript NM_139276.3 (MANE Select); coding-DNA position 952, A replaced by G.
Protein change: p.Lys318Glu; replaces lysine 318 with glutamic acid.
Molecular consequence: missense variant.
Genome position (GRCh38, 1-based): chr17:42,333,895, T>C on the plus strand (A>G on the coding strand, the complement: STAT3 is on the minus strand). VCF-style: chr17-42333895-T-C. GRCh37 (hg19) VCF-style: chr17-40485913-T-C.
Other names: c.952A>G, p.Lys318Glu (NM_001369512.1, NM_001369513.1, NM_001369514.1 and 15 more transcripts); c.874A>G, p.Lys292Glu (NM_001384985.1); c.856A>G, p.Lys286Glu (NM_001384989.1); short protein forms K286E, K292E, K318E.
Identifiers: ClinVar variation 1804603 (VCV001804603.6), dbSNP rs1002835395, ClinGen allele CA290739285.

ClinVar aggregate classification (germline): Conflicting classifications of pathogenicity. Review status: criteria provided, conflicting classifications (1 of 4 stars). 2 submissions from 2 submitters: Uncertain significance (1); Likely benign (1). Last evaluated 2022-06-11.

Conditions:
Hyper-IgE recurrent infection syndrome 1, autosomal dominant. Also called: HYPER-IgE SYNDROME 1, AUTOSOMAL DOMINANT, WITH RECURRENT INFECTIONS; JOB SYNDROME; Job's Syndrome; STAT3 Hyper IgE Syndrome; Hyper-IgE recurrent infection syndrome 1. Identifiers: Orphanet 2314, MedGen C2936739, MONDO:0007818, OMIM 147060.
STAT3 gain of function. Identifiers: MedGen C4288261.

Allele frequency attached by ClinVar (database versions not stated): gnomAD 0.00001; TOPMed 0.00001.
gnomAD v4.1: 1 of 1,614,102 alleles (0.000062%); highest among the groups gnomAD compares: Non-Finnish European, 0.000085%; no homozygotes.

Submissions (2):

GeneDx
Classification: Uncertain significance. Last evaluated: 2022-06-11. Review status: criteria provided, single submitter. Criteria: GeneDx Variant Classification Process June 2021. Collection method: clinical testing. Allele origin: germline. Affected: yes.
Comment: Not observed at significant frequency in large population cohorts (gnomAD); In silico analysis supports that this missense variant does not alter protein structure/function; Has not been previously published as pathogenic or benign to our knowledge; This variant is associated with the following publications: (PMID: 17676033, 18602572)

Labcorp Genetics (formerly Invitae), Labcorp
Classification: Likely benign for STAT3 gain of function; Hyper-IgE recurrent infection syndrome 1, autosomal dominant. Last evaluated: 2022-04-11. Review status: criteria provided, single submitter. Criteria: Invitae Variant Classification Sherloc (09022015). Collection method: clinical testing. Allele origin: germline.